The following is an entry in ClinVar:

NM_001367624.2(ZNF469):c.5139C>G (p.Asp1713Glu)

Gene: ZNF469 (zinc finger protein 469; plus strand). Cytogenetic location: 16q24.2.
Variant type: single nucleotide variant.
Coding change: c.5139C>G on transcript NM_001367624.2 (MANE Select); coding-DNA position 5139, C replaced by G.
Protein change: p.Asp1713Glu; replaces aspartic acid 1713 with glutamic acid.
Molecular consequence: missense variant.
Genome position (GRCh38, 1-based): chr16:88,432,609, C>G. VCF-style: chr16-88432609-C-G. GRCh37 (hg19) VCF-style: chr16-88499017-C-G.
Other names: NM_001127464.1:c.5055C>G; short protein forms D1713E.
Identifiers: ClinVar variation 3476308 (VCV003476308.3).

ClinVar aggregate classification (germline): Uncertain significance. Review status: criteria provided, multiple submitters, no conflicts (2 of 4 stars). 2 submissions from 2 submitters: Uncertain significance (2). Last evaluated 2026-04-11.

Conditions:
Cardiovascular phenotype. Identifiers: MedGen CN230736.

gnomAD v4.1: 2 of 1,550,416 alleles (0.00013%); highest among the groups gnomAD compares: Non-Finnish European, 0.000087%; no homozygotes.

Submissions (2):

Ambry Genetics
Classification: Uncertain significance for Cardiovascular phenotype. Last evaluated: 2026-04-11. Review status: criteria provided, single submitter. Criteria: Ambry Variant Classification Scheme 2023. Collection method: clinical testing. Allele origin: germline.
Comment: The p.D1685E variant (also known as c.5055C>G), located in coding exon 2 of the ZNF469 gene, results from a C to G substitution at nucleotide position 5055. The aspartic acid at codon 1685 is replaced by glutamic acid, an amino acid with highly similar properties. This amino acid position is conserved. In addition, this alteration is predicted to be tolerated by in silico analysis. Based on the available evidence, the clinical significance of this variant remains unclear.

Labcorp Genetics (formerly Invitae), Labcorp
Classification: Uncertain significance. Last evaluated: 2025-06-26. Review status: criteria provided, single submitter. Criteria: Invitae Variant Classification Sherloc (09022015). Collection method: clinical testing. Allele origin: germline.
Comment: This sequence change replaces aspartic acid, which is acidic and polar, with glutamic acid, which is acidic and polar, at codon 1685 of the ZNF469 protein (p.Asp1685Glu). This variant is not present in population databases (gnomAD no frequency). This variant has not been reported in the literature in individuals affected with ZNF469-related conditions. ClinVar contains an entry for this variant (Variation ID: 3476308). An algorithm developed to predict the effect of missense changes on protein structure and function outputs the following: PolyPhen-2: "Benign". The glutamic acid amino acid residue is found in multiple mammalian species, which suggests that this missense change does not adversely affect protein function. In summary, the available evidence is currently insufficient to determine the role of this variant in disease. Therefore, it has been classified as a Variant of Uncertain Significance.